The following is an entry in ClinVar:

NM_003072.5(SMARCA4):c.1021C>A (p.Pro341Thr)

Gene: SMARCA4 (SWI/SNF related BAF chromatin remodeling complex subunit ATPase 4; plus strand). Cytogenetic location: 19p13.2.
Variant type: single nucleotide variant.
Coding change: c.1021C>A on transcript NM_003072.5 (MANE Select); coding-DNA position 1021, C replaced by A.
Protein change: p.Pro341Thr; replaces proline 341 with threonine.
Molecular consequence: missense variant. On other transcripts: non-coding transcript variant (1).
Genome position (GRCh38, 1-based): chr19:10,987,827, C>A. VCF-style: chr19-10987827-C-A. GRCh37 (hg19) VCF-style: chr19-11098503-C-A.
Other names: c.1021C>A, p.Pro341Thr (NM_001128844.3, NM_001128845.2, NM_001128846.2 and 6 more transcripts); short protein forms P341T.
Identifiers: ClinVar variation 3798887 (VCV003798887.1).

ClinVar aggregate classification (germline): Uncertain significance (1 of 4 stars; one submission).

Conditions:
Hereditary cancer-predisposing syndrome. Also called: Neoplastic Syndromes, Hereditary; Hereditary Cancer Syndrome; Tumor predisposition; Hereditary neoplastic syndrome. Identifiers: Orphanet 140162, MedGen C0027672, MeSH D009386, MONDO:0015356.

Submission:

Ambry Genetics
Classification: Uncertain significance for Hereditary cancer-predisposing syndrome. Last evaluated: 2024-12-22. Review status: criteria provided, single submitter. Criteria: Ambry Variant Classification Scheme 2023. Collection method: clinical testing. Allele origin: germline.
Comment: The p.P341T variant (also known as c.1021C>A), located in coding exon 5 of the SMARCA4 gene, results from a C to A substitution at nucleotide position 1021. The proline at codon 341 is replaced by threonine, an amino acid with highly similar properties. This amino acid position is conserved. In addition, the in silico prediction for this alteration is inconclusive. Based on the available evidence, the clinical significance of this variant remains unclear.